The following is an entry in ClinVar:

NM_006767.4(LZTR1):c.2325G>A (p.Gln775=)

Gene: LZTR1 (leucine zipper like post translational regulator 1; plus strand). Cytogenetic location: 22q11.21.
Variant type: single nucleotide variant.
Coding change: c.2325G>A on transcript NM_006767.4 (MANE Select); coding-DNA position 2325, G replaced by A.
Protein change: p.Gln775=; no amino-acid change (glutamine 775 retained).
Molecular consequence: synonymous variant.
Genome position (GRCh38, 1-based): chr22:20,996,801, G>A. VCF-style: chr22-20996801-G-A. GRCh37 (hg19) VCF-style: chr22-21351090-G-A.
Other names: c.2325G>A (NM_006767.3).
Identifiers: ClinVar variation 1398240 (VCV001398240.9), dbSNP rs377557832, ClinGen allele CA513699647.

ClinVar aggregate classification (germline): Uncertain significance. Review status: criteria provided, multiple submitters, no conflicts (2 of 4 stars). 3 submissions from 3 submitters: Uncertain significance (3). Last evaluated 2025-11-15.

Conditions:
Hereditary cancer-predisposing syndrome. Also called: Hereditary Cancer Syndrome; Hereditary neoplastic syndrome; Tumor predisposition; Neoplastic Syndromes, Hereditary. Identifiers: Orphanet 140162, MedGen C0027672, MeSH D009386, MONDO:0015356.
Cardiovascular phenotype. Identifiers: MedGen CN230736.
Noonan syndrome 2 (NS2). Identifiers: Orphanet 648, MedGen C1854469, MONDO:0011531, OMIM 605275.
LZTR1-related schwannomatosis. Also called: Schwannomatosis-2, susceptibility to; Schwannomatosis 2. Identifiers: Orphanet 93921, MedGen C3810283, MONDO:0014299, OMIM 615670.
Noonan syndrome 10 (NS10). Identifiers: Orphanet 648, MedGen C4225280, MONDO:0014693, OMIM 616564.

Submissions (3):

Labcorp Genetics (formerly Invitae), Labcorp
Classification: Uncertain significance. Last evaluated: 2025-11-15. Review status: criteria provided, single submitter. Criteria: Invitae Variant Classification Sherloc (09022015). Collection method: clinical testing. Allele origin: germline.
Comment: This sequence change affects codon 775 of the LZTR1 mRNA. It is a 'silent' change, meaning that it does not change the encoded amino acid sequence of the LZTR1 protein. This variant also falls at the last nucleotide of exon 19, which is part of the consensus splice site for this exon. This variant is not present in population databases (gnomAD no frequency). This variant has not been reported in the literature in individuals affected with LZTR1-related conditions. ClinVar contains an entry for this variant (Variation ID: 1398240). Variants that disrupt the consensus splice site are a relatively common cause of aberrant splicing (PMID: 17576681, 9536098). Algorithms developed to predict the effect of sequence changes on RNA splicing suggest that this variant may disrupt the consensus splice site. In summary, the available evidence is currently insufficient to determine the role of this variant in disease. Therefore, it has been classified as a Variant of Uncertain Significance.

Ambry Genetics
Classification: Uncertain significance for Cardiovascular phenotype; Hereditary cancer-predisposing syndrome. Last evaluated: 2024-09-30. Review status: criteria provided, single submitter. Criteria: Ambry Variant Classification Scheme 2023. Collection method: clinical testing. Allele origin: germline.
Comment: The c.2325G>A variant (also known as p.Q775Q) is located in coding exon 19 of the LZTR1 gene. This variant results from a G to A substitution at nucleotide position 2325. This nucleotide substitution does not change the amino acid at codon 775. However, this change occurs in the last base pair of coding exon 19, which makes it likely to have some effect on normal mRNA splicing. This nucleotide position is highly conserved in available vertebrate species. In silico splice site analysis predicts that this alteration will weaken the native splice donor site. Based on the available evidence, the clinical significance of this variant remains unclear.

Juno Genomics, Hangzhou Juno Genomics, Inc
Classification: Uncertain significance for LZTR1-related schwannomatosis; Noonan syndrome 10; Noonan syndrome 2. Review status: criteria provided, single submitter. Criteria: ACMG Guidelines, 2015. Collection method: clinical testing. Allele origin: germline. Affected: yes.
Comment: Absent from controls (or at extremely low frequency if recessive) in Genome Aggregation Database, Exome Sequencing Project, 1000 Genomes Project, or Exome Aggregation Consortium.;For recessive disorders, detected in trans with a pathogenic variant.;Multiple lines of computational evidence support a deleterious effect on the gene or gene product (conservation, evolutionary, splicing impact, etc).

Literature cited by the submitters: PubMed 17576681 (cited by Labcorp Genetics (formerly Invitae), Labcorp); PubMed 9536098 (cited by Labcorp Genetics (formerly Invitae), Labcorp).